The following is an entry in ClinVar:

ClinVar aggregate classification (germline): Likely benign. Review status: criteria provided, single submitter (1 of 4 stars). 2 submissions from 2 submitters: Likely benign (1). 1 of the submissions does not count toward it. Last evaluated 2024-11-14.

Conditions:
TMEM94-related disorder. Also called: TMEM94-related condition.

Allele frequency attached by ClinVar (database versions not stated): gnomAD exomes 0.00002; ExAC 0.00005; gnomAD 0.00011; TOPMed 0.00016.
gnomAD v4.1: 56 of 1,613,496 alleles (0.0035%); highest among the groups gnomAD compares: African/African-American, 0.044%; no homozygotes.

Submissions (2):

Blueprint Genetics
Classification: Likely benign. Last evaluated: 2024-11-14. Review status: criteria provided, single submitter. Criteria: ACMG Guidelines, 2015. Collection method: clinical testing. Allele origin: germline.

PreventionGenetics, part of Exact Sciences
Classification: Likely benign for TMEM94-related condition. Last evaluated: 2019-02-26. Review status: no assertion criteria provided. Collection method: clinical testing. Allele origin: germline. Not counted in ClinVar's aggregate classification.
Comment: This variant is classified as likely benign based on ACMG/AMP sequence variant interpretation guidelines (Richards et al. 2015 PMID: 25741868, with internal and published modifications).

NM_014738.6(TMEM94):c.2901C>T (p.Asn967=)

Gene: TMEM94 (transmembrane protein 94; plus strand). Cytogenetic location: 17q25.1.
Variant type: single nucleotide variant.
Coding change: c.2901C>T on transcript NM_014738.6 (MANE Select); coding-DNA position 2901, C replaced by T.
Protein change: p.Asn967=; no amino-acid change (asparagine 967 retained).
Molecular consequence: synonymous variant.
Genome position (GRCh38, 1-based): chr17:75,495,600, C>T. VCF-style: chr17-75495600-C-T. GRCh37 (hg19) VCF-style: chr17-73491681-C-T.
Other names: c.2931C>T, p.Asn977= (NM_001321148.2); c.2913C>T, p.Asn971= (NM_001321149.2); c.2853C>T, p.Asn951= (NM_001351202.2); c.2928C>T, p.Asn976= (NM_001351203.2).
Identifiers: ClinVar variation 3053707 (VCV003053707.3), dbSNP rs751587964, ClinGen allele CA8762301.